The following is an entry in ClinVar:

NM_006267.5(RANBP2):c.9530A>G (p.Lys3177Arg)

Gene: RANBP2 (RAN binding protein 2; plus strand). Cytogenetic location: 2q13.
Variant type: single nucleotide variant.
Coding change: c.9530A>G on transcript NM_006267.5 (MANE Select); coding-DNA position 9530, A replaced by G.
Protein change: p.Lys3177Arg; replaces lysine 3177 with arginine.
Molecular consequence: missense variant.
Genome position (GRCh38, 1-based): chr2:108,783,756, A>G. VCF-style: chr2-108783756-A-G. GRCh37 (hg19) VCF-style: chr2-109400212-A-G.
Other names: c.9608A>G, p.Lys3203Arg (NM_001415871.1); c.9527A>G, p.Lys3176Arg (NM_001415872.1); c.9554A>G, p.Lys3185Arg (NM_001415873.1); short protein forms K3176R, K3177R, K3185R, K3203R.
Identifiers: ClinVar variation 2572237 (VCV002572237.1), dbSNP rs2467771577, ClinGen allele CA348034407.

ClinVar aggregate classification (germline): Uncertain significance (1 of 4 stars; one submission).

Submission:

Greenwood Genetic Center Diagnostic Laboratories, Greenwood Genetic Center
Classification: Uncertain significance. Last evaluated: 2023-05-24. Review status: criteria provided, single submitter. Criteria: ACMG Guidelines, 2015. Collection method: clinical testing. Allele origin: germline. Affected: yes.
Comment: PM2